The following is an entry in ClinVar:

NM_015909.4(NBAS):c.4733A>G (p.Tyr1578Cys)

Gene: NBAS (NBAS subunit of NRZ tethering complex; minus strand). Cytogenetic location: 2p24.3.
Variant type: single nucleotide variant.
Coding change: c.4733A>G on transcript NM_015909.4 (MANE Select); coding-DNA position 4733, A replaced by G.
Protein change: p.Tyr1578Cys; replaces tyrosine 1578 with cysteine.
Molecular consequence: missense variant. On other transcripts: non-coding transcript variant (1).
Genome position (GRCh38, 1-based): chr2:15,308,280, T>C on the plus strand (A>G on the coding strand, the complement: NBAS is on the minus strand). VCF-style: chr2-15308280-T-C. GRCh37 (hg19) VCF-style: chr2-15448404-T-C.
Other names: short protein forms Y1578C.
Identifiers: ClinVar variation 1373797 (VCV001373797.6), dbSNP rs368348718, ClinGen allele CA1535526.

ClinVar aggregate classification (germline): Uncertain significance (1 of 4 stars; one submission).

Allele frequency attached by ClinVar (database versions not stated): gnomAD 0.00001; gnomAD exomes 0.00004; ESP Exome Variant Server 0.00008; ExAC 0.00003; TOPMed 0.00001.
gnomAD v4.1: 97 of 1,614,052 alleles (0.006%); highest among the groups gnomAD compares: Non-Finnish European, 0.0075%; no homozygotes.

Submission:

Labcorp Genetics (formerly Invitae), Labcorp
Classification: Uncertain significance. Last evaluated: 2023-11-27. Review status: criteria provided, single submitter. Criteria: Invitae Variant Classification Sherloc (09022015). Collection method: clinical testing. Allele origin: germline.
Comment: This sequence change replaces tyrosine, which is neutral and polar, with cysteine, which is neutral and slightly polar, at codon 1578 of the NBAS protein (p.Tyr1578Cys). This variant is present in population databases (rs368348718, gnomAD 0.007%). This variant has not been reported in the literature in individuals affected with NBAS-related conditions. ClinVar contains an entry for this variant (Variation ID: 1373797). Advanced modeling of protein sequence and biophysical properties (such as structural, functional, and spatial information, amino acid conservation, physicochemical variation, residue mobility, and thermodynamic stability) performed at Invitae indicates that this missense variant is not expected to disrupt NBAS protein function with a negative predictive value of 80%. In summary, the available evidence is currently insufficient to determine the role of this variant in disease. Therefore, it has been classified as a Variant of Uncertain Significance.